The following is an entry in ClinVar:

ClinVar aggregate classification (germline): Uncertain significance (1 of 4 stars; one submission).

Submission:

GeneDx
Classification: Uncertain significance. Last evaluated: 2021-01-07. Review status: criteria provided, single submitter. Criteria: GeneDx Variant Classification Process June 2021. Collection method: clinical testing. Allele origin: germline. Affected: yes.
Comment: Not observed in large population cohorts (Lek et al., 2016); Frameshift variant predicted to result in the last 107 amino acids being replaced with 121 different amino acids; Has not been previously published as pathogenic or benign to our knowledge

NM_006231.4(POLE):c.6537_6541del (p.Ala2180fs)

Gene: POLE (DNA polymerase epsilon, catalytic subunit; minus strand). Cytogenetic location: 12q24.33.
Variant type: Deletion.
Coding change: c.6537_6541del on transcript NM_006231.4 (MANE Select); coding-DNA positions 6537 to 6541, 5 bases deleted (GGCGG; older notation c.6537_6541delGGCGG).
Protein change: p.Ala2180fs; shifts the reading frame from alanine 2180.
Molecular consequence: frameshift variant.
Genome position (GRCh38, 1-based): chr12:132,625,761-132,625,765, CCGCC deleted on the plus strand (GGCGG on the coding strand, the reverse complement: POLE is on the minus strand); deleting any 5 consecutive bases within chr12:132,625,761-132,625,767 gives the same sequence; the c. name uses the placement nearest the transcript's 3' end. VCF-style (leftmost placement, unchanged base first): chr12-132625760-ACCGCC-A. GRCh37 (hg19) VCF-style: chr12-133202346-ACCGCC-A.
Other names: c.6537_6541delGGCGG (NM_006231.2); short protein forms A2180fs.
Identifiers: ClinVar variation 246115 (VCV000246115.4), dbSNP rs879254107, ClinGen allele CA10584403.